The following is an entry in ClinVar:

ClinVar aggregate classification (germline): Likely pathogenic (1 of 4 stars; one submission).

Conditions:
Hereditary spastic paraplegia 11. Also called: Autosomal recessive hereditary spastic paraplegia, mental impairment, and thin corpus callosum; SPASTIC PARAPLEGIA, AUTOSOMAL RECESSIVE, COMPLICATED, WITH THIN CORPUS CALLOSUM; SPASTIC PARAPLEGIA, AUTOSOMAL RECESSIVE, WITH MENTAL IMPAIRMENT AND THIN CORPUS CALLOSUM; Spastic paraplegia, mental retardation and thin corpus callosum; Spastic Paraplegia 11; Nakamura Osame syndrome. Identifiers: Orphanet 2822, MedGen C1858479, MONDO:0011445, OMIM 604360.

Submission:

Labcorp Genetics (formerly Invitae), Labcorp
Classification: Likely pathogenic for Hereditary spastic paraplegia 11. Last evaluated: 2020-11-15. Review status: criteria provided, single submitter. Criteria: Invitae Variant Classification Sherloc (09022015). Collection method: clinical testing. Allele origin: germline.
Comment: This variant is not present in population databases (ExAC no frequency). This sequence change affects an acceptor splice site in intron 35 of the SPG11 gene. It is expected to disrupt RNA splicing. Variants that disrupt the donor or acceptor splice site typically lead to a loss of protein function (PMID: 16199547), and loss-of-function variants in SPG11 are known to be pathogenic (PMID: 19105190, 20110243, 22154821). Disruption of this splice site has been observed in individual(s) with hereditary spastic paraplegia (Invitae). Algorithms developed to predict the effect of sequence changes on RNA splicing suggest that this variant may disrupt the consensus splice site, but this prediction has not been confirmed by published transcriptional studies. In summary, the currently available evidence indicates that the variant is pathogenic, but additional data are needed to prove that conclusively. Therefore, this variant has been classified as Likely Pathogenic.

Literature cited by the submitters: PubMed 16199547; PubMed 19105190; PubMed 20110243; PubMed 22154821.

NM_025137.4(SPG11):c.6586-1G>A

Gene: SPG11 (SPG11 vesicle trafficking associated, spatacsin; minus strand). Cytogenetic location: 15q21.1.
Variant type: single nucleotide variant.
Coding change: c.6586-1G>A on transcript NM_025137.4 (MANE Select); the canonical splice acceptor site of the intron before coding-DNA position 6586, G replaced by A.
Molecular consequence: splice acceptor variant.
Genome position (GRCh38, 1-based): chr15:44,567,593, C>T on the plus strand (G>A on the coding strand, the complement: SPG11 is on the minus strand). VCF-style: chr15-44567593-C-T. GRCh37 (hg19) VCF-style: chr15-44859791-C-T.
Other names: c.6442-1G>A (NM_001411132.1); c.6247-1G>A (NM_001160227.2).
Identifiers: ClinVar variation 1475583 (VCV001475583.9), dbSNP rs1060501174, ClinGen allele CA392215505.